The following is an entry in ClinVar:

NM_001197104.2(KMT2A):c.4184C>T (p.Ala1395Val)

Gene: KMT2A (lysine methyltransferase 2A; plus strand). Cytogenetic location: 11q23.3.
Variant type: single nucleotide variant.
Coding change: c.4184C>T on transcript NM_001197104.2 (MANE Select); coding-DNA position 4184, C replaced by T.
Protein change: p.Ala1395Val; replaces alanine 1395 with valine.
Molecular consequence: missense variant.
Genome position (GRCh38, 1-based): chr11:118,484,280, C>T. VCF-style: chr11-118484280-C-T. GRCh37 (hg19) VCF-style: chr11-118354995-C-T.
Other names: c.4283C>T, p.Ala1428Val (NM_001412597.1); c.4184C>T, p.Ala1395Val (NM_005933.4); short protein forms A1395V, A1428V.
Identifiers: ClinVar variation 4749730 (VCV004749730.1).

ClinVar aggregate classification (germline): Uncertain significance (1 of 4 stars; one submission).

Submission:

Labcorp Genetics (formerly Invitae), Labcorp
Classification: Uncertain significance. Last evaluated: 2025-05-28. Review status: criteria provided, single submitter. Criteria: Invitae Variant Classification Sherloc (09022015). Collection method: clinical testing. Allele origin: germline.
Comment: This sequence change replaces alanine, which is neutral and non-polar, with valine, which is neutral and non-polar, at codon 1395 of the KMT2A protein (p.Ala1395Val). This variant is present in population databases (rs782021081, gnomAD 0.0009%). This variant has not been reported in the literature in individuals affected with KMT2A-related conditions. Invitae Evidence Modeling of protein sequence and biophysical properties (such as structural, functional, and spatial information, amino acid conservation, physicochemical variation, residue mobility, and thermodynamic stability) indicates that this missense variant is not expected to disrupt KMT2A protein function with a negative predictive value of 95%. In summary, the available evidence is currently insufficient to determine the role of this variant in disease. Therefore, it has been classified as a Variant of Uncertain Significance.